The following is an entry in ClinVar:

ClinVar aggregate classification (germline): Uncertain significance (1 of 4 stars; one submission).

Allele frequency attached by ClinVar (database versions not stated): gnomAD exomes below 0.00001; ExAC 0.00001.
gnomAD v4.1: 3 of 1,612,912 alleles (0.00019%); highest among the groups gnomAD compares: Non-Finnish European, 0.00025%; no homozygotes.

Submission:

Labcorp Genetics (formerly Invitae), Labcorp
Classification: Uncertain significance. Last evaluated: 2024-01-20. Review status: criteria provided, single submitter. Criteria: Invitae Variant Classification Sherloc (09022015). Collection method: clinical testing. Allele origin: germline.
Comment: This sequence change replaces histidine, which is basic and polar, with tyrosine, which is neutral and polar, at codon 481 of the ITGAM protein (p.His481Tyr). This variant is present in population databases (rs775421532, gnomAD 0.0009%). This variant has not been reported in the literature in individuals affected with ITGAM-related conditions. ClinVar contains an entry for this variant (Variation ID: 1926385). Algorithms developed to predict the effect of missense changes on protein structure and function output the following: SIFT: "Not Available"; PolyPhen-2: "Benign"; Align-GVGD: "Not Available". The tyrosine amino acid residue is found in multiple mammalian species, which suggests that this missense change does not adversely affect protein function. In summary, the available evidence is currently insufficient to determine the role of this variant in disease. Therefore, it has been classified as a Variant of Uncertain Significance.

NM_000632.4(ITGAM):c.1441C>T (p.His481Tyr)

Gene: ITGAM (integrin subunit alpha M; plus strand). Cytogenetic location: 16p11.2.
Variant type: single nucleotide variant.
Coding change: c.1441C>T on transcript NM_000632.4 (MANE Select); coding-DNA position 1441, C replaced by T.
Protein change: p.His481Tyr; replaces histidine 481 with tyrosine.
Molecular consequence: missense variant.
Genome position (GRCh38, 1-based): chr16:31,297,598, C>T. VCF-style: chr16-31297598-C-T. GRCh37 (hg19) VCF-style: chr16-31308919-C-T.
Other names: c.1441C>T, p.His481Tyr (NM_001145808.2); short protein forms H481Y.
Identifiers: ClinVar variation 1926385 (VCV001926385.5), dbSNP rs775421532, ClinGen allele CA8025548.